The following is an entry in ClinVar:

ClinVar aggregate classification (germline): Pathogenic (1 of 4 stars; one submission).

Submission:

GeneDx
Classification: Pathogenic. Last evaluated: 2020-08-28. Review status: criteria provided, single submitter. Criteria: GeneDx Variant Classification Process June 2021. Collection method: clinical testing. Allele origin: germline. Affected: yes.
Comment: Canonical splice site variant predicted to result in a null allele in a gene for which loss-of-function is a known mechanism of disease; Not observed in large population cohorts (Lek et al., 2016); Has not been previously published as pathogenic or benign to our knowledge

NM_016628.5(WAC):c.1747-1G>A

Gene: WAC (WW domain containing adaptor with coiled-coil; plus strand). Cytogenetic location: 10p12.1.
Variant type: single nucleotide variant.
Coding change: c.1747-1G>A on transcript NM_016628.5 (MANE Select); the canonical splice acceptor site of the intron before coding-DNA position 1747, G replaced by A.
Molecular consequence: splice acceptor variant.
Genome position (GRCh38, 1-based): chr10:28,617,656, G>A. VCF-style: chr10-28617656-G-A. GRCh37 (hg19) VCF-style: chr10-28906585-G-A.
Other names: c.1612-1G>A (NM_100264.3); c.1438-1G>A (NM_100486.4).
Identifiers: ClinVar variation 1210712 (VCV001210712.3), dbSNP rs2132872003, ClinGen allele CA376406068.
Genomic context (GRCh38, chr10:28,617,656, plus strand): 5'-TGTTTTATTTTGTGTATGTTAATGTTTATATTTTATGTTTTCTTCATTTCTTTAATTACA[G>A]GCATCAAGATTACGCGAAGAAGCGCATAACATGGGAACTATTCACATGTCCGAAATTTGT-3'